The following is an entry in ClinVar:

ClinVar aggregate classification (germline): Uncertain significance. Review status: criteria provided, multiple submitters, no conflicts (2 of 4 stars). 2 submissions from 2 submitters: Uncertain significance (2). Last evaluated 2024-01-23.

Allele frequency attached by ClinVar (database versions not stated): ExAC 0.00001; gnomAD 0.00002; gnomAD exomes 0.00002; TOPMed 0.00005.
gnomAD v4.1: 37 of 1,613,618 alleles (0.0023%); highest among the groups gnomAD compares: African/African-American, 0.0067%; no homozygotes.

Submissions (2):

Ambry Genetics
Classification: Uncertain significance. Last evaluated: 2024-01-23. Review status: criteria provided, single submitter. Criteria: Ambry Variant Classification Scheme 2023. Collection method: clinical testing. Allele origin: germline.

Labcorp Genetics (formerly Invitae), Labcorp
Classification: Uncertain significance. Last evaluated: 2022-07-19. Review status: criteria provided, single submitter. Criteria: Invitae Variant Classification Sherloc (09022015). Collection method: clinical testing. Allele origin: germline.
Comment: Experimental studies and prediction algorithms are not available or were not evaluated, and the functional significance of this variant is currently unknown. In summary, the available evidence is currently insufficient to determine the role of this variant in disease. Therefore, it has been classified as a Variant of Uncertain Significance. This variant has not been reported in the literature in individuals affected with KIZ-related conditions. This sequence change replaces arginine, which is basic and polar, with tryptophan, which is neutral and slightly polar, at codon 306 of the KIZ protein (p.Arg306Trp). This variant is present in population databases (rs754934073, gnomAD 0.003%).

NM_018474.6(KIZ):c.916C>T (p.Arg306Trp)

Gene: KIZ (kizuna centrosomal protein; plus strand). Cytogenetic location: 20p11.23.
Variant type: single nucleotide variant.
Coding change: c.916C>T on transcript NM_018474.6 (MANE Select); coding-DNA position 916, C replaced by T.
Protein change: p.Arg306Trp; replaces arginine 306 with tryptophan.
Molecular consequence: missense variant.
Genome position (GRCh38, 1-based): chr20:21,162,381, C>T. VCF-style: chr20-21162381-C-T. GRCh37 (hg19) VCF-style: chr20-21143022-C-T.
Other names: c.607C>T, p.Arg203Trp (NM_001163022.3, NM_001352435.2); c.517C>T, p.Arg173Trp (NM_001163023.3); c.769C>T, p.Arg257Trp (NM_001276389.2); c.916C>T, p.Arg306Trp (NM_001352434.2); c.574C>T, p.Arg192Trp (NM_001352436.2); c.916C>T (NM_018474.4); short protein forms R173W, R192W, R257W, R203W, R306W.
Identifiers: ClinVar variation 1897425 (VCV001897425.5), dbSNP rs754934073, ClinGen allele CA9784732.